The following is an entry in ClinVar:

NM_022455.5(NSD1):c.3280A>T (p.Met1094Leu)

Gene: NSD1 (nuclear receptor binding SET domain protein 1; plus strand). Cytogenetic location: 5q35.3.
Variant type: single nucleotide variant.
Coding change: c.3280A>T on transcript NM_022455.5 (MANE Select); coding-DNA position 3280, A replaced by T.
Protein change: p.Met1094Leu; replaces methionine 1094 with leucine.
Molecular consequence: missense variant.
Genome position (GRCh38, 1-based): chr5:177,211,679, A>T. VCF-style: chr5-177211679-A-T. GRCh37 (hg19) VCF-style: chr5-176638680-A-T.
Other names: c.3280A>T, p.Met1094Leu (NM_001409302.1, NM_001409303.1, NM_001409301.1); c.2860A>T, p.Met954Leu (NM_001409304.1); c.2527A>T, p.Met843Leu (NM_001409305.1); c.2407A>T, p.Met803Leu (NM_001409306.1, NM_001409307.1, NM_001409308.1 and 3 more transcripts); short protein forms M1094L, M803L, M843L, M954L.
Identifiers: ClinVar variation 4881017 (VCV004881017.2).
Genomic context (GRCh38, chr5:177,211,679, plus strand): 5'-CGTGGAGGTTCATTGAGAGGTGGGGCAGAAGATCCTAGTAAAGAGGATCCCCTTCAGATA[A>T]TGGGCCACTTAACAAGTGAAGATGGTGACCATTTTTCTGATGTGCATTTCGATAGCAAGG-3'
Protein context (NP_071900.2, residues 1084-1104): DPSKEDPLQI[Met1094Leu]GHLTSEDGDH

ClinVar aggregate classification (germline): Uncertain significance (1 of 4 stars; one submission).

Submission:

Dasa
Classification: Uncertain significance. Last evaluated: 2025-08-12. Review status: criteria provided, single submitter. Criteria: DASA Assertion Criteria. Collection method: clinical testing. Allele origin: germline.
Comment: NM_022455.5(NSD1):c.3280A>T (p.Met1094Leu) is a missense variant that results in the substitution of methionine with leucine. This variant is absent from population databases. Computational prediction algorithms are consistent with a benign effect. The currently available literature and clinical evidence are not sufficient to establish a definitive association between this variant and the reported condition. Therefore, this variant is classified as a variant of uncertain significance.